The following is an entry in ClinVar:

ClinVar aggregate classification (germline): Uncertain significance (1 of 4 stars; one submission).

Conditions:
Hereditary cancer-predisposing syndrome. Also called: Neoplastic Syndromes, Hereditary; Tumor predisposition; Hereditary Cancer Syndrome; Hereditary neoplastic syndrome. Identifiers: Orphanet 140162, MedGen C0027672, MeSH D009386, MONDO:0015356.

Submission:

Ambry Genetics
Classification: Uncertain significance for Hereditary cancer-predisposing syndrome. Last evaluated: 2025-12-10. Review status: criteria provided, single submitter. Criteria: Ambry Variant Classification Scheme 2023. Collection method: clinical testing. Allele origin: germline.
Comment: The p.K22N variant (also known as c.66G>C), located in coding exon 1 of the MSH6 gene, results from a G to C substitution at nucleotide position 66. The lysine at codon 22 is replaced by asparagine, an amino acid with similar properties. This amino acid position is conserved. In addition, this alteration is predicted to be tolerated by in silico analysis. Based on the available evidence, the clinical significance of this variant remains unclear.

NM_000179.3(MSH6):c.66G>C (p.Lys22Asn)

Gene: MSH6 (mutS homolog 6; plus strand). Cytogenetic location: 2p16.3.
Variant type: single nucleotide variant.
Coding change: c.66G>C on transcript NM_000179.3 (MANE Select); coding-DNA position 66, G replaced by C.
Protein change: p.Lys22Asn; replaces lysine 22 with asparagine.
Molecular consequence: missense variant. On other transcripts: 5 prime UTR variant (7), non-coding transcript variant (5), intron variant (5).
Genome position (GRCh38, 1-based): chr2:47,783,299, G>C. VCF-style: chr2-47783299-G-C. GRCh37 (hg19) VCF-style: chr2-48010438-G-C.
Other names: c.66G>C, p.Lys22Asn (NM_001281492.2, NM_001406795.1, NM_001406796.1 and 9 more transcripts); c.-671G>C (NM_001281493.2, NM_001406811.1); c.-263G>C (NM_001406799.1); c.11G>C, p.Arg4Thr (NM_001406804.1); c.-863G>C (NM_001406807.1); c.-518G>C (NM_001406812.1); c.-929G>C (NM_001406814.1); c.-474G>C (NM_001406816.1); and 3 more; short protein forms R4T, K22N.
Identifiers: ClinVar variation 4658347 (VCV004658347.1).